The following is an entry in ClinVar:

NM_000045.4(ARG1):c.42T>A (p.Pro14=)

Gene: ARG1 (arginase 1; plus strand). Cytogenetic location: 6q23.2.
Variant type: single nucleotide variant.
Coding change: c.42T>A on transcript NM_000045.4 (MANE Select); coding-DNA position 42, T replaced by A.
Protein change: p.Pro14=; no amino-acid change (proline 14 retained).
Molecular consequence: synonymous variant. On other transcripts: non-coding transcript variant (1).
Genome position (GRCh38, 1-based): chr6:131,573,324, T>A. VCF-style: chr6-131573324-T-A. GRCh37 (hg19) VCF-style: chr6-131894464-T-A.
Other names: c.42T>A, p.Pro14= (NM_001244438.2, NM_001369020.1).
Identifiers: ClinVar variation 738539 (VCV000738539.31), dbSNP rs939256919, ClinGen allele CA147890863.
Genomic context (GRCh38, chr6:131,573,324, plus strand): 5'-CAAAGAGAAGTGTCAGAGCATGAGCGCCAAGTCCAGAACCATAGGGATTATTGGAGCTCC[T>A]TTCTCAAAGGGACAGGTAAGGAAAAAAGTCTTTCTTTGAATTCCTGGAATTTAGTTGAAA-3'
Protein context (NP_000036.2, residues 4-24): KSRTIGIIGA[Pro14=]FSKGQPRGGV

ClinVar aggregate classification (germline): Likely benign. Review status: criteria provided, multiple submitters, no conflicts (2 of 4 stars). 2 submissions from 2 submitters: Likely benign (2). Last evaluated 2025-11-05.

Conditions:
Arginase deficiency. Also called: Arginase 1 Deficiency; ARG1 DEFICIENCY; ARGININEMIA. Identifiers: Orphanet 90, MedGen C0268548, MONDO:0008814, OMIM 207800.

Allele frequency attached by ClinVar (database versions not stated): gnomAD exomes below 0.00001; gnomAD 0.00001 and 0.00002; TOPMed 0.00002.
gnomAD v4.1: 25 of 1,613,948 alleles (0.0015%); highest among the groups gnomAD compares: Middle Eastern, 0.12%; no homozygotes.

Submissions (2):

Labcorp Genetics (formerly Invitae), Labcorp
Classification: Likely benign for Arginase deficiency. Last evaluated: 2025-11-05. Review status: criteria provided, single submitter. Criteria: Invitae Variant Classification Sherloc (09022015). Collection method: clinical testing. Allele origin: germline.

CeGaT Center for Human Genetics Tuebingen
Classification: Likely benign. Last evaluated: 2024-02-01. Review status: criteria provided, single submitter. Criteria: CeGaT Center For Human Genetics Tuebingen Variant Classification Criteria Version 2. Collection method: clinical testing. Allele origin: germline. Affected: yes. Observed: 1 variant allele.
Comment: ARG1: BP4, BP7